The following is an entry in ClinVar:

NM_002168.4(IDH2):c.463A>C (p.Lys155Gln)

Gene: IDH2 (isocitrate dehydrogenase (NADP(+)) 2; minus strand). Cytogenetic location: 15q26.1.
Variant type: single nucleotide variant.
Coding change: c.463A>C on transcript NM_002168.4 (MANE Select); coding-DNA position 463, A replaced by C.
Protein change: p.Lys155Gln; replaces lysine 155 with glutamine.
Molecular consequence: missense variant.
Genome position (GRCh38, 1-based): chr15:90,088,658, T>G on the plus strand (A>C on the coding strand, the complement: IDH2 is on the minus strand). VCF-style: chr15-90088658-T-G. GRCh37 (hg19) VCF-style: chr15-90631890-T-G.
Other names: c.307A>C, p.Lys103Gln (NM_001289910.1); c.73A>C, p.Lys25Gln (NM_001290114.2); short protein forms K103Q, K155Q, K25Q.
Identifiers: ClinVar variation 1302940 (VCV001302940.2), dbSNP rs2151549672, ClinGen allele CA393802345.

ClinVar aggregate classification (germline): Uncertain significance (1 of 4 stars; one submission).

Submission:

GeneDx
Classification: Uncertain significance. Last evaluated: 2019-08-16. Review status: criteria provided, single submitter. Criteria: GeneDx Variant Classification Process June 2021. Collection method: clinical testing. Allele origin: germline. Affected: yes.
Comment: Not observed in large population cohorts (Lek et al., 2016); In silico analysis, which includes protein predictors and evolutionary conservation, supports that this variant does not alter protein structure/function; Has not been previously published as pathogenic or benign to our knowledge